The following is an entry in ClinVar:

NM_004958.4(MTOR):c.497A>G (p.His166Arg)

Gene: MTOR (mechanistic target of rapamycin kinase; minus strand). Cytogenetic location: 1p36.22.
Variant type: single nucleotide variant.
Coding change: c.497A>G on transcript NM_004958.4 (MANE Select); coding-DNA position 497, A replaced by G.
Protein change: p.His166Arg; replaces histidine 166 with arginine.
Molecular consequence: missense variant. On other transcripts: 5 prime UTR variant (1).
Genome position (GRCh38, 1-based): chr1:11,256,940, T>C on the plus strand (A>G on the coding strand, the complement: MTOR is on the minus strand). VCF-style: chr1-11256940-T-C. GRCh37 (hg19) VCF-style: chr1-11316997-T-C.
Other names: c.497A>G, p.His166Arg (NM_001386500.1); c.-643A>G (NM_001386501.1); short protein forms H166R.
Identifiers: ClinVar variation 2202460 (VCV002202460.4), dbSNP rs773839789, ClinGen allele CA590937.

ClinVar aggregate classification (germline): Uncertain significance (1 of 4 stars; one submission).

Allele frequency attached by ClinVar (database versions not stated): gnomAD exomes below 0.00001; ExAC 0.00001; TOPMed 0.00001.
gnomAD v4.1: 2 of 1,613,550 alleles (0.00012%); highest among the groups gnomAD compares: African/African-American, 0.0027%; no homozygotes.

Submission:

Labcorp Genetics (formerly Invitae), Labcorp
Classification: Uncertain significance. Last evaluated: 2023-01-21. Review status: criteria provided, single submitter. Criteria: Invitae Variant Classification Sherloc (09022015). Collection method: clinical testing. Allele origin: germline.
Comment: This sequence change replaces histidine, which is basic and polar, with arginine, which is basic and polar, at codon 166 of the MTOR protein (p.His166Arg). This variant is present in population databases (rs773839789, gnomAD 0.007%). In summary, the available evidence is currently insufficient to determine the role of this variant in disease. Therefore, it has been classified as a Variant of Uncertain Significance. Advanced modeling of protein sequence and biophysical properties (such as structural, functional, and spatial information, amino acid conservation, physicochemical variation, residue mobility, and thermodynamic stability) performed at Invitae indicates that this missense variant is not expected to disrupt MTOR protein function. This variant has not been reported in the literature in individuals affected with MTOR-related conditions.